The following is an entry in ClinVar:

ClinVar aggregate classification (germline): Uncertain significance (1 of 4 stars; one submission).

Allele frequency attached by ClinVar (database versions not stated): TOPMed 0.00001.
gnomAD v4.1: 3 of 1,613,834 alleles (0.00019%); highest among the groups gnomAD compares: Non-Finnish European, 0.00025%; no homozygotes.

Submission:

Labcorp Genetics (formerly Invitae), Labcorp
Classification: Uncertain significance. Last evaluated: 2023-03-21. Review status: criteria provided, single submitter. Criteria: Invitae Variant Classification Sherloc (09022015). Collection method: clinical testing. Allele origin: germline.
Comment: This sequence change replaces lysine, which is basic and polar, with asparagine, which is neutral and polar, at codon 304 of the ZCCHC8 protein (p.Lys304Asn). This variant is not present in population databases (gnomAD no frequency). This variant has not been reported in the literature in individuals affected with ZCCHC8-related conditions. ClinVar contains an entry for this variant (Variation ID: 1469795). Advanced modeling of protein sequence and biophysical properties (such as structural, functional, and spatial information, amino acid conservation, physicochemical variation, residue mobility, and thermodynamic stability) performed at Invitae indicates that this missense variant is not expected to disrupt ZCCHC8 protein function. In summary, the available evidence is currently insufficient to determine the role of this variant in disease. Therefore, it has been classified as a Variant of Uncertain Significance.

NM_017612.5(ZCCHC8):c.912G>C (p.Lys304Asn)

Gene: ZCCHC8 (zinc finger CCHC-type containing 8; minus strand). Cytogenetic location: 12q24.31.
Variant type: single nucleotide variant.
Coding change: c.912G>C on transcript NM_017612.5 (MANE Select); coding-DNA position 912, G replaced by C.
Protein change: p.Lys304Asn; replaces lysine 304 with asparagine.
Molecular consequence: missense variant.
Genome position (GRCh38, 1-based): chr12:122,481,628, C>G on the plus strand (G>C on the coding strand, the complement: ZCCHC8 is on the minus strand). VCF-style: chr12-122481628-C-G. GRCh37 (hg19) VCF-style: chr12-122966175-C-G.
Other names: c.681G>C, p.Lys227Asn (NM_001350935.2); c.615G>C, p.Lys205Asn (NM_001350936.2); c.198G>C, p.Lys66Asn (NM_001350937.2, NM_001350938.2); short protein forms K66N, K205N, K227N, K304N.
Identifiers: ClinVar variation 1469795 (VCV001469795.8), dbSNP rs1199125820, ClinGen allele CA387052665.